The following is an entry in ClinVar:

ClinVar aggregate classification (germline): Benign/Likely benign. Review status: criteria provided, multiple submitters, no conflicts (2 of 4 stars). 4 submissions from 4 submitters: Benign (1); Likely benign (2). 1 of the submissions does not count toward it. Last evaluated 2026-08-01.

Conditions:
NTRK2-related disorder. Also called: NTRK2-related condition.

Allele frequency attached by ClinVar (database versions not stated): TOPMed 0.00001; gnomAD 0.00014; gnomAD exomes 0.00014; ExAC 0.00016.
gnomAD v4.1: 131 of 1,614,198 alleles (0.0081%); highest among the groups gnomAD compares: South Asian, 0.011%; 2 homozygotes.

Submissions (4):

CeGaT Center for Human Genetics Tuebingen
Classification: Likely benign. Last evaluated: 2026-08-01. Review status: criteria provided, single submitter. Criteria: CeGaT Center For Human Genetics Tuebingen Variant Classification Criteria Version 2. Collection method: clinical testing. Allele origin: germline. Affected: yes. Observed: 2 variant alleles.
Comment: NTRK2: BP4, BP7

Labcorp Genetics (formerly Invitae), Labcorp
Classification: Benign. Last evaluated: 2025-07-14. Review status: criteria provided, single submitter. Criteria: Invitae Variant Classification Sherloc (09022015). Collection method: clinical testing. Allele origin: germline.

Blueprint Genetics
Classification: Likely benign. Last evaluated: 2024-09-12. Review status: criteria provided, single submitter. Criteria: ACMG Guidelines, 2015. Collection method: clinical testing. Allele origin: germline.

PreventionGenetics, part of Exact Sciences
Classification: Likely benign for NTRK2-related condition. Last evaluated: 2020-10-19. Review status: no assertion criteria provided. Collection method: clinical testing. Allele origin: germline. Not counted in ClinVar's aggregate classification.
Comment: This variant is classified as likely benign based on ACMG/AMP sequence variant interpretation guidelines (Richards et al. 2015 PMID: 25741868, with internal and published modifications).

NM_006180.6(NTRK2):c.330A>G (p.Ala110=)

Gene: NTRK2 (neurotrophic receptor tyrosine kinase 2; plus strand). Cytogenetic location: 9q21.33.
Variant type: single nucleotide variant.
Coding change: c.330A>G on transcript NM_006180.6 (MANE Select); coding-DNA position 330, A replaced by G.
Protein change: p.Ala110=; no amino-acid change (alanine 110 retained).
Molecular consequence: synonymous variant. On other transcripts: 5 prime UTR variant (4).
Genome position (GRCh38, 1-based): chr9:84,702,390, A>G. VCF-style: chr9-84702390-A-G. GRCh37 (hg19) VCF-style: chr9-87317305-A-G.
Other names: c.330A>G, p.Ala110= (NM_001007097.3, NM_001018064.3, NM_001018065.2 and 18 more transcripts); c.-139A>G (NM_001369535.1, NM_001369536.1, NM_001369550.1 and 1 more transcripts); c.330A>G (NM_006180.4).
Identifiers: ClinVar variation 1535797 (VCV001535797.26), dbSNP rs201225877, ClinGen allele CA5105470.
Genomic context (GRCh38, chr9:84,702,390, plus strand): 5'-AATTATGTGTTTTCACAGGACAATTGTGGATTCTGGATTAAAATTTGTGGCTCATAAAGC[A>G]TTTCTGAAAAACAGCAACCTGCAGCACATGTAAGTAGAGATTGATTCTTTTGCTTCCCAG-3'
Protein context (NP_006171.2, residues 100-120): DSGLKFVAHK[Ala110=]FLKNSNLQHI